The following is an entry in ClinVar:

ClinVar aggregate classification (germline): Pathogenic (1 of 4 stars; one submission).

Submission:

Labcorp Genetics (formerly Invitae), Labcorp
Classification: Pathogenic. Last evaluated: 2024-01-11. Review status: criteria provided, single submitter. Criteria: Invitae Variant Classification Sherloc (09022015). Collection method: clinical testing. Allele origin: germline.
Comment: This sequence change creates a premature translational stop signal (p.Thr478Argfs*8) in the LRPPRC gene. It is expected to result in an absent or disrupted protein product. Loss-of-function variants in LRPPRC are known to be pathogenic (PMID: 26510951). This variant is not present in population databases (gnomAD no frequency). This variant has not been reported in the literature in individuals affected with LRPPRC-related conditions. For these reasons, this variant has been classified as Pathogenic.

Literature cited by the submitters: PubMed 26510951.

NM_133259.4(LRPPRC):c.1431_1432del (p.Thr478fs)

Gene: LRPPRC (leucine rich pentatricopeptide repeat containing; minus strand). Cytogenetic location: 2p21.
Variant type: Microsatellite.
Coding change: c.1431_1432del on transcript NM_133259.4 (MANE Select); coding-DNA positions 1431 to 1432, 2 bases deleted (TA; older notation c.1431_1432delTA).
Protein change: p.Thr478fs; shifts the reading frame from threonine 478.
Molecular consequence: frameshift variant.
Genome position (GRCh38, 1-based): chr2:43,963,644-43,963,645, TA deleted on the plus strand (TA on the coding strand, the reverse complement: LRPPRC is on the minus strand); deleting any 2 consecutive bases within chr2:43,963,644-43,963,648 gives the same sequence; the c. name uses the placement nearest the transcript's 3' end. VCF-style (leftmost placement, unchanged base first): chr2-43963643-GTA-G. GRCh37 (hg19) VCF-style: chr2-44190782-GTA-G.
Other names: short protein forms T478fs.
Identifiers: ClinVar variation 1455749 (VCV001455749.6), dbSNP rs2103672990, ClinGen allele CA645526698.